The following is an entry in ClinVar:

NM_001430.5(EPAS1):c.1108A>G (p.Met370Val)

Gene: EPAS1 (endothelial PAS domain protein 1; plus strand). Cytogenetic location: 2p21.
Variant type: single nucleotide variant.
Coding change: c.1108A>G on transcript NM_001430.5 (MANE Select); coding-DNA position 1108, A replaced by G.
Protein change: p.Met370Val; replaces methionine 370 with valine.
Molecular consequence: missense variant.
Genome position (GRCh38, 1-based): chr2:46,376,612, A>G. VCF-style: chr2-46376612-A-G. GRCh37 (hg19) VCF-style: chr2-46603751-A-G.
Other names: short protein forms M370V.
Identifiers: ClinVar variation 1794185 (VCV001794185.3), dbSNP rs1233737038, ClinGen allele CA346703196.

ClinVar aggregate classification (germline): Uncertain significance (1 of 4 stars; one submission).

Conditions:
Inborn genetic diseases. Identifiers: MedGen C0950123, MeSH D030342.

Allele frequency attached by ClinVar (database versions not stated): TOPMed 0.00001.
gnomAD v4.1: 4 of 1,614,180 alleles (0.00025%); highest among the groups gnomAD compares: African/African-American, 0.0013%; no homozygotes.

Submission:

Ambry Genetics
Classification: Uncertain significance for Inborn genetic diseases. Last evaluated: 2023-07-05. Review status: criteria provided, single submitter. Criteria: Ambry Variant Classification Scheme 2023. Collection method: clinical testing. Allele origin: germline.
Comment: The p.M370V variant (also known as c.1108A>G), located in coding exon 9 of the EPAS1 gene, results from an A to G substitution at nucleotide position 1108. The methionine at codon 370 is replaced by valine, an amino acid with highly similar properties. This amino acid position is conserved. In addition, the in silico prediction for this alteration is inconclusive. Since supporting evidence is limited at this time, the clinical significance of this alteration remains unclear.